The following is an entry in ClinVar:

NM_001382567.1(STIM1):c.1615C>T (p.His539Tyr)

Gene: STIM1 (stromal interaction molecule 1; plus strand). Cytogenetic location: 11p15.4.
Variant type: single nucleotide variant.
Coding change: c.1615C>T on transcript NM_001382567.1 (MANE Select); coding-DNA position 1615, C replaced by T.
Protein change: p.His539Tyr; replaces histidine 539 with tyrosine.
Molecular consequence: missense variant. On other transcripts: non-coding transcript variant (3).
Genome position (GRCh38, 1-based): chr11:4,086,524, C>T. VCF-style: chr11-4086524-C-T. GRCh37 (hg19) VCF-style: chr11-4107754-C-T.
Other names: c.1294C>T, p.His432Tyr (NM_001382570.1); c.1042C>T, p.His348Tyr (NM_001382571.1); c.1300C>T, p.His434Tyr (NM_001382575.1, NM_001382576.1, NM_001382577.1 and 3 more transcripts); c.1033C>T, p.His345Tyr (NM_001382580.1, NM_001382581.1); c.1522C>T, p.His508Tyr (NM_003156.4, NM_001277961.3, NM_001277962.2); c.1543C>T, p.His515Tyr (NM_001382568.1); c.1387C>T, p.His463Tyr (NM_001382569.1); short protein forms H432Y, H434Y, H515Y, H348Y, H539Y, H508Y, H345Y, H463Y.
Identifiers: ClinVar variation 1438759 (VCV001438759.8), dbSNP rs1343386197, ClinGen allele CA379195278.

ClinVar aggregate classification (germline): Uncertain significance (1 of 4 stars; one submission).

Conditions:
Combined immunodeficiency due to STIM1 deficiency. Also called: STIM1 DEFICIENCY; IMMUNODEFICIENCY 10. Identifiers: Orphanet 169090, Orphanet 317430, MedGen C2748557, MONDO:0013008, OMIM 612783.
Myopathy with tubular aggregates (TAM). Also called: Tubular Aggregate Myopathy. Identifiers: Orphanet 2593, MedGen C0410207, MONDO:0008051.
Stormorken syndrome (STRMK). Also called: THROMBOCYTOPATHY, ASPLENIA, AND MIOSIS. Identifiers: Orphanet 3204, MedGen C1861451, MONDO:0008497, OMIM 185070.

Allele frequency attached by ClinVar (database versions not stated): gnomAD exomes 0.00001 and below 0.00001; TOPMed 0.00001; gnomAD 0.00001.
gnomAD v4.1: 6 of 1,614,084 alleles (0.00037%); highest among the groups gnomAD compares: Non-Finnish European, 0.00042%; no homozygotes.

Submission:

Labcorp Genetics (formerly Invitae), Labcorp
Classification: Uncertain significance for Myopathy with tubular aggregates; Combined immunodeficiency due to STIM1 deficiency; Stormorken syndrome. Last evaluated: 2025-08-11. Review status: criteria provided, single submitter. Criteria: Invitae Variant Classification Sherloc (09022015). Collection method: clinical testing. Allele origin: germline.
Comment: This sequence change replaces histidine, which is basic and polar, with tyrosine, which is neutral and polar, at codon 508 of the STIM1 protein (p.His508Tyr). This variant is present in population databases (no rsID available, gnomAD 0.002%). This variant has not been reported in the literature in individuals affected with STIM1-related conditions. ClinVar contains an entry for this variant (Variation ID: 1438759). Invitae Evidence Modeling of protein sequence and biophysical properties (such as structural, functional, and spatial information, amino acid conservation, physicochemical variation, residue mobility, and thermodynamic stability) has been performed for this missense variant. However, the output from this modeling did not meet the statistical confidence thresholds required to predict the impact of this variant on STIM1 protein function. In summary, the available evidence is currently insufficient to determine the role of this variant in disease. Therefore, it has been classified as a Variant of Uncertain Significance.